The following is an entry in ClinVar:

ClinVar aggregate classification (germline): Uncertain significance (1 of 4 stars; one submission).

Conditions:
MEGF8-related Carpenter syndrome. Also called: Carpenter syndrome 2. Identifiers: Orphanet 65759, MedGen C3554247, MONDO:0013998, OMIM 614976.

Allele frequency attached by ClinVar (database versions not stated): gnomAD exomes below 0.00001; TOPMed below 0.00001.
gnomAD v4.1: 4 of 1,613,680 alleles (0.00025%); highest among the groups gnomAD compares: East Asian, 0.0022%; no homozygotes.

Submission:

Labcorp Genetics (formerly Invitae), Labcorp
Classification: Uncertain significance for MEGF8-related Carpenter syndrome. Last evaluated: 2024-09-05. Review status: criteria provided, single submitter. Criteria: Invitae Variant Classification Sherloc (09022015). Collection method: clinical testing. Allele origin: germline.
Comment: This sequence change replaces arginine, which is basic and polar, with glutamine, which is neutral and polar, at codon 448 of the MEGF8 protein (p.Arg448Gln). This variant is not present in population databases (gnomAD no frequency). This variant has not been reported in the literature in individuals affected with MEGF8-related conditions. ClinVar contains an entry for this variant (Variation ID: 2059701). An algorithm developed to predict the effect of missense changes on protein structure and function (PolyPhen-2) suggests that this variant is likely to be tolerated. In summary, the available evidence is currently insufficient to determine the role of this variant in disease. Therefore, it has been classified as a Variant of Uncertain Significance.

NM_001271938.2(MEGF8):c.1343G>A (p.Arg448Gln)

Gene: MEGF8 (multiple EGF like domains 8; plus strand). Cytogenetic location: 19q13.2.
Variant type: single nucleotide variant.
Coding change: c.1343G>A on transcript NM_001271938.2 (MANE Select); coding-DNA position 1343, G replaced by A.
Protein change: p.Arg448Gln; replaces arginine 448 with glutamine.
Molecular consequence: missense variant.
Genome position (GRCh38, 1-based): chr19:42,336,905, G>A. VCF-style: chr19-42336905-G-A. GRCh37 (hg19) VCF-style: chr19-42841057-G-A.
Other names: c.1343G>A, p.Arg448Gln (NM_001410.3); short protein forms R448Q.
Identifiers: ClinVar variation 2059701 (VCV002059701.4), dbSNP rs1228621761, ClinGen allele CA406087809.
Genomic context (GRCh38, chr19:42,336,905, plus strand): 5'-TGGATCGGCATGTGTGGACGACGCTGAAGGGGCGGGATGGGCTTCAGGGCCCAAGGGAGC[G>A]AGCCTTCCACACAGCCAGTGTTCTGGGCAATTACATGGTGGTCTATGGTGAGGAGGCTCC-3'
Protein context (NP_001258867.1, residues 438-458): GRDGLQGPRE[Arg448Gln]AFHTASVLGN